The following is an entry in ClinVar:

NM_001173990.3(TMEM216):c.7C>A (p.Pro3Thr)

Gene: TMEM216 (transmembrane protein 216; plus strand). Cytogenetic location: 11q12.2.
Variant type: single nucleotide variant.
Coding change: c.7C>A on transcript NM_001173990.3 (MANE Select); coding-DNA position 7, C replaced by A.
Protein change: p.Pro3Thr; replaces proline 3 with threonine.
Molecular consequence: missense variant. On other transcripts: 5 prime UTR variant (2).
Genome position (GRCh38, 1-based): chr11:61,392,638, C>A. VCF-style: chr11-61392638-C-A. GRCh37 (hg19) VCF-style: chr11-61160110-C-A.
Other names: c.7C>A, p.Pro3Thr (NM_001173991.3); c.-191C>A (NM_001330285.2, NM_016499.6); short protein forms P3T.
Identifiers: ClinVar variation 452672 (VCV000452672.7), dbSNP rs1554972409, ClinGen allele CA380684466.

ClinVar aggregate classification (germline): Uncertain significance. Review status: criteria provided, multiple submitters, no conflicts (2 of 4 stars). 4 submissions from 4 submitters: Uncertain significance (3). 1 of the submissions does not count toward it. Last evaluated 2024-05-18.

Conditions:
Joubert syndrome 2 (JBTS2). Also called: CEREBELLOOCULORENAL SYNDROME 2. Identifiers: Orphanet 2318, MedGen C1842577, MONDO:0011963, OMIM 608091.
Meckel syndrome, type 2 (MKS2). Also called: MKS2-Related Meckel Syndrome; MECKEL-GRUBER SYNDROME, TYPE 2. Identifiers: Orphanet 564, MedGen C1864148, MONDO:0011296, OMIM 603194.
Joubert syndrome. Also called: CEREBELLOPARENCHYMAL DISORDER IV; JOUBERT-BOLTSHAUSER SYNDROME; Familial aplasia of the vermis. Identifiers: Orphanet 475, MedGen C5979921, MONDO:0018772.

Allele frequency attached by ClinVar (database versions not stated): gnomAD exomes 0.00001; TOPMed below 0.00001.
gnomAD v4.1: 9 of 1,534,310 alleles (0.00059%); highest among the groups gnomAD compares: South Asian, 0.0071%; no homozygotes.

Submissions (4):

Fulgent Genetics
Classification: Uncertain significance for Meckel syndrome, type 2; Joubert syndrome 2. Last evaluated: 2024-05-18. Review status: criteria provided, single submitter. Criteria: ACMG Guidelines, 2015. Collection method: clinical testing. Allele origin: germline.

Labcorp Genetics (formerly Invitae), Labcorp
Classification: Uncertain significance for Joubert syndrome. Last evaluated: 2022-06-27. Review status: criteria provided, single submitter. Criteria: Invitae Variant Classification Sherloc (09022015). Collection method: clinical testing. Allele origin: germline.
Comment: This sequence change replaces proline, which is neutral and non-polar, with threonine, which is neutral and polar, at codon 3 of the TMEM216 protein (p.Pro3Thr). This variant is not present in population databases (gnomAD no frequency). This variant has not been reported in the literature in individuals affected with TMEM216-related conditions. ClinVar contains an entry for this variant (Variation ID: 452672). Algorithms developed to predict the effect of missense changes on protein structure and function are either unavailable or do not agree on the potential impact of this missense change (SIFT: "Deleterious"; PolyPhen-2: "Probably Damaging"; Align-GVGD: "Class C0"). In summary, the available evidence is currently insufficient to determine the role of this variant in disease. Therefore, it has been classified as a Variant of Uncertain Significance.

GeneDx
Classification: Uncertain significance. Last evaluated: 2017-10-12. Review status: criteria provided, single submitter. Criteria: GeneDx Variant Classification (06012015). Collection method: clinical testing. Allele origin: germline. Affected: yes.
Comment: A variant of uncertain significance has been identified in the TMEM216 gene. The P3T variant has not been published as a pathogenic variant, nor has it been reported as a benign variant to our knowledge. The P3T variant is not observed in large population cohorts (Lek et al., 2016). The P3T variant is a non-conservative amino acid substitution, which is likely to impact secondary protein structure as these residues differ in polarity, charge, size and/or other properties. This substitution occurs at a position that is conserved across species; and in silico analysis predicts this variant is probably damaging to the protein structure/function. Based on the currently available information, it is unclear whether this variant is a pathogenic variant or a rare benign variant.

Natera, Inc.
Classification: Uncertain significance for Joubert syndrome type 2. Last evaluated: 2020-09-16. Review status: no assertion criteria provided. Collection method: clinical testing. Allele origin: germline. Not counted in ClinVar's aggregate classification.